The following is an entry in ClinVar:

ClinVar aggregate classification (germline): Pathogenic (3 of 4 stars; one submission).

Conditions:
Creatine transporter deficiency (CCDS1). Also called: Mental retardation , X-linked with seizures, short stature and midface hypoplasia; Mental retardation , X-linked, with creatine transport deficiency; X-linked creatine transporter deficiency; X-linked creatine deficiency syndrome; SLC6A8-Related Creatine Transporter Deficiency; CREATINE TRANSPORTER DEFECT. Identifiers: Orphanet 52503, MedGen C1845862, MONDO:0010305, OMIM 300352.

Submission:

ClinGen Cerebral Creatine Deficiency Syndromes Variant Curation Expert Panel, ClinGen
Classification: Pathogenic for Creatine transporter deficiency. Last evaluated: 2024-03-25. Review status: reviewed by expert panel. Criteria: ClinGen_CCDS_ACMG_Specifications_SLC6A8_v1.1. Collection method: curation. Allele origin: germline. Inheritance: X-linked inheritance.
Comment: The NM_005629.4:c.1318dup variant in SLC6A8 is frameshift variant predicted to cause a premature stop codon in biologically relevant exon 9/13 leading to nonsense mediated decay in a gene in which loss of function is an established disease mechanism (p.Arg440ProfsTer25) (PVS1). The variant is absent in gnomAD v2.1.1. (PM2_Supporting). In summary, this variant meets criteria to be classified as pathogenic for creatine transporter deficiency. SLC6A8-specific criteria applied, as specified by the ClinGen CCDS VCEP (Specifications Version 1.1.0): PVS1, PM2_Supporting, PP4. (Classification approved by the ClinGen CCDS VCEP on March 25, 2024).

NM_005629.4(SLC6A8):c.1318dup (p.Arg440fs)

Gene: SLC6A8 (solute carrier family 6 member 8; plus strand). Cytogenetic location: Xq28.
Variant type: Duplication.
Coding change: c.1318dup on transcript NM_005629.4 (MANE Select); coding-DNA position 1318, one base duplicated (C; older notation c.1318dupC).
Protein change: p.Arg440fs; shifts the reading frame from arginine 440.
Molecular consequence: frameshift variant.
Genome position (GRCh38, 1-based): chrX:153,694,193, C duplicated; the last of 2 consecutive C bases (chrX:153,694,192-153,694,193); duplicating either gives the same sequence. VCF-style (leftmost placement, unchanged base first): chrX-153694191-T-TC. GRCh37 (hg19) VCF-style: chrX-152959646-T-TC.
Other names: NM_001142805.2:c.1288dup; c.1288dup, p.Arg430fs (NM_001142805.2); c.973dup, p.Arg325fs (NM_001142806.1); short protein forms R325fs, R430fs, R440fs.
Identifiers: ClinVar variation 3066451 (VCV003066451.1), dbSNP rs2522166498, ClinGen allele CA2582121298.